The following is an entry in ClinVar:

ClinVar aggregate classification (germline): Conflicting classifications of pathogenicity. Review status: criteria provided, conflicting classifications (1 of 4 stars). 2 submissions from 2 submitters: Likely pathogenic (1); Uncertain significance (1). Last evaluated 2024-09-03.

Conditions:
LCT-related disorder. Also called: LCT-related condition.

Allele frequency attached by ClinVar (database versions not stated): gnomAD exomes 0.00002; ExAC 0.00005; TOPMed 0.00005; gnomAD 0.00006; ESP Exome Variant Server 0.00015.
gnomAD v4.1: 55 of 1,613,858 alleles (0.0034%); highest among the groups gnomAD compares: Non-Finnish European, 0.0042%; no homozygotes.

Submissions (2):

Blueprint Genetics
Classification: Likely pathogenic for LCT-related disorders. Last evaluated: 2024-09-03. Review status: criteria provided, single submitter. Criteria: ACMG Guidelines, 2015. Collection method: clinical testing. Allele origin: germline. Affected: yes. Observed: 5 variant alleles.

Labcorp Genetics (formerly Invitae), Labcorp
Classification: Uncertain significance. Last evaluated: 2023-07-07. Review status: criteria provided, single submitter. Criteria: Invitae Variant Classification Sherloc (09022015). Collection method: clinical testing. Allele origin: germline.
Comment: In summary, the available evidence is currently insufficient to determine the role of this variant in disease. Therefore, it has been classified as a Variant of Uncertain Significance. Experimental studies have shown that this missense change affects LCT function (PMID: 35007711). Advanced modeling of protein sequence and biophysical properties (such as structural, functional, and spatial information, amino acid conservation, physicochemical variation, residue mobility, and thermodynamic stability) performed at Invitae indicates that this missense variant is expected to disrupt LCT protein function. ClinVar contains an entry for this variant (Variation ID: 631827). This missense change has been observed in individual(s) with congenital lactase deficiency (PMID: 19161632). In at least one individual the data is consistent with being in trans (on the opposite chromosome) from a pathogenic variant. This variant is present in population databases (rs146614143, gnomAD 0.01%). This sequence change replaces arginine, which is basic and polar, with histidine, which is basic and polar, at codon 1587 of the LCT protein (p.Arg1587His).

Literature cited by the submitters: PubMed 35007711 (cited by Labcorp Genetics (formerly Invitae), Labcorp); PubMed 19161632 (cited by Labcorp Genetics (formerly Invitae), Labcorp).

NM_002299.4(LCT):c.4760G>A (p.Arg1587His)

Gene: LCT (lactase; minus strand). Cytogenetic location: 2q21.3.
Variant type: single nucleotide variant.
Coding change: c.4760G>A on transcript NM_002299.4 (MANE Select); coding-DNA position 4760, G replaced by A.
Protein change: p.Arg1587His; replaces arginine 1587 with histidine.
Molecular consequence: missense variant.
Genome position (GRCh38, 1-based): chr2:135,800,713, C>T on the plus strand (G>A on the coding strand, the complement: LCT is on the minus strand). VCF-style: chr2-135800713-C-T. GRCh37 (hg19) VCF-style: chr2-136558283-C-T.
Other names: c.4760G>A (LRG_338t1); short protein forms R1587H.
Identifiers: ClinVar variation 631827 (VCV000631827.8), dbSNP rs146614143, ClinGen allele CA1887778.
Genomic context (GRCh38, chr2:135,800,713, plus strand): 5'-TCTCTGGGTTCAGCCCAGTCACTGCTGATGGTGATGGAAATCACGCCACCTTGACTGGCG[C>T]GGTACACATCGTTGTACAGATGCCAGGCCTCAGCATGAGCCTTTATTAGATTGTGGCCAA-3'
Protein context (NP_002290.2, residues 1577-1597): EAWHLYNDVY[Arg1587His]ASQGGVISIT